The following is an entry in ClinVar:

ClinVar aggregate classification (germline): Likely benign (1 of 4 stars; one submission).

Allele frequency attached by ClinVar (database versions not stated): TOPMed below 0.00001; gnomAD 0.00001; gnomAD exomes 0.00007; 1000 Genomes Project 30x 0.00016; 1000 Genomes Project 0.00020; ExAC 0.00061.
gnomAD v4.1: 93 of 1,551,368 alleles (0.006%); highest among the groups gnomAD compares: South Asian, 0.11%; no homozygotes.

Submission:

CeGaT Center for Human Genetics Tuebingen
Classification: Likely benign. Last evaluated: 2023-11-01. Review status: criteria provided, single submitter. Criteria: CeGaT Center For Human Genetics Tuebingen Variant Classification Criteria Version 2. Collection method: clinical testing. Allele origin: germline. Affected: yes. Observed: 1 variant allele.
Comment: COL6A5: BS1

NM_001278298.2(COL6A5):c.2045T>C (p.Leu682Pro)

Gene: COL6A5 (collagen type VI alpha 5 chain; plus strand). Cytogenetic location: 3q22.1.
Variant type: single nucleotide variant.
Coding change: c.2045T>C on transcript NM_001278298.2 (MANE Select); coding-DNA position 2045, T replaced by C.
Protein change: p.Leu682Pro; replaces leucine 682 with proline.
Molecular consequence: missense variant. On other transcripts: non-coding transcript variant (1).
Genome position (GRCh38, 1-based): chr3:130,388,763, T>C. VCF-style: chr3-130388763-T-C. GRCh37 (hg19) VCF-style: chr3-130107606-T-C.
Other names: c.2045T>C, p.Leu682Pro (NM_001412157.1, NM_153264.7); short protein forms L682P.
Identifiers: ClinVar variation 2672959 (VCV002672959.23), dbSNP rs575837767, ClinGen allele CA2610878.
Genomic context (GRCh38, chr3:130,388,763, plus strand): 5'-CAGACAAAACCCAGATTGGTGTTGTTCAGTTCAGTGATAAAACTAAGGAAGAGTTCCAGC[T>C]TAATAGATATTTTACACAGCAAGAAATTTCTGATGCAATAGATAGAATGTCTCTCATCAA-3'
Protein context (NP_001265227.1, residues 672-692): FSDKTKEEFQ[Leu682Pro]NRYFTQQEIS